The following is an entry in ClinVar:

ClinVar aggregate classification (germline): Uncertain significance (1 of 4 stars; one submission).

Conditions:
Idiopathic generalized epilepsy. Also called: EIG; Generalised epilepsy. Identifiers: MedGen C0270850, MONDO:0005579, OMIM 600669.
Hyperaldosteronism, familial, type IV (HALD4). Also called: FH IV; ALDOSTERONISM, PRIMARY, AND HYPERTENSION. Identifiers: Orphanet 642671, MedGen C4310756, MONDO:0014875, OMIM 617027.

gnomAD v4.1: 1 of 1,610,832 alleles (0.000062%); highest among the groups gnomAD compares: Non-Finnish European, 0.000085%; no homozygotes.

Submission:

Labcorp Genetics (formerly Invitae), Labcorp
Classification: Uncertain significance for Idiopathic generalized epilepsy; Hyperaldosteronism, familial, type IV. Last evaluated: 2017-05-10. Review status: criteria provided, single submitter. Criteria: Invitae Variant Classification Sherloc (09022015). Collection method: clinical testing. Allele origin: germline.
Comment: This sequence change replaces threonine with alanine at codon 1588 of the CACNA1H protein (p.Thr1588Ala). The threonine residue is weakly conserved and there is a small physicochemical difference between threonine and alanine. This variant is not present in population databases (ExAC no frequency) and has not been reported in the literature in individuals with a CACNA1H-related disease. Algorithms developed to predict the effect of missense changes on protein structure and function (SIFT, PolyPhen-2, Align-GVGD) all suggest that this variant is likely to be tolerated, but these predictions have not been confirm ed by published functional studies. In summary, this variant is a novel missense change that is not predicted to affect protein function. There is no indication that it causes disease, but the available evidence is currently insufficient to prove that conclusively. Therefore, it has been classified as a Variant of Uncertain Significance.

NM_021098.3(CACNA1H):c.4762A>G (p.Thr1588Ala)

Gene: CACNA1H (calcium voltage-gated channel subunit alpha1 H; plus strand). Cytogenetic location: 16p13.3.
Variant type: single nucleotide variant.
Coding change: c.4762A>G on transcript NM_021098.3 (MANE Select); coding-DNA position 4762, A replaced by G.
Protein change: p.Thr1588Ala; replaces threonine 1588 with alanine.
Molecular consequence: missense variant. On other transcripts: intron variant (1).
Genome position (GRCh38, 1-based): chr16:1,212,513, A>G. VCF-style: chr16-1212513-A-G. GRCh37 (hg19) VCF-style: chr16-1262513-A-G.
Other names: c.4759+375A>G (NM_001005407.2); short protein forms T1588A.
Identifiers: ClinVar variation 460124 (VCV000460124.1), dbSNP rs1555517834, ClinGen allele CA394181425.
Genomic context (GRCh38, chr16:1,212,513, plus strand): 5'-GCTCCAGGCCCGAGTGCGCCACGCCCTCGGCCCTCAGACCATCTCCTTGTCTTTCCAGGC[A>G]CTTTCCCCAGCCCAGGTACCGGCCCTGTCCCGCATGCCTCAGGCCCCGCTTCTGCGGCCG-3'
Protein context (NP_066921.2, residues 1578-1598): LRRLERRRRS[Thr1588Ala]FPSPEAQRRP